The following is an entry in ClinVar:

NM_001297.5(CNGB1):c.1217G>A (p.Trp406Ter)

Gene: CNGB1 (cyclic nucleotide gated channel subunit beta 1; minus strand). Cytogenetic location: 16q21.
Variant type: single nucleotide variant.
Coding change: c.1217G>A on transcript NM_001297.5 (MANE Select); coding-DNA position 1217, G replaced by A.
Protein change: p.Trp406Ter; replaces tryptophan 406 with a stop codon.
Molecular consequence: nonsense.
Genome position (GRCh38, 1-based): chr16:57,939,585, C>T on the plus strand (G>A on the coding strand, the complement: CNGB1 is on the minus strand). VCF-style: chr16-57939585-C-T. GRCh37 (hg19) VCF-style: chr16-57973489-C-T.
Other names: c.1199G>A, p.Trp400Ter (NM_001286130.2); short protein forms W400*, W406*.
Identifiers: ClinVar variation 1031963 (VCV001031963.7), dbSNP rs201286463, ClinGen allele CA8083493.

ClinVar aggregate classification (germline): Pathogenic/Likely pathogenic. Review status: criteria provided, multiple submitters, no conflicts (2 of 4 stars). 4 submissions from 4 submitters: Pathogenic (3); Likely pathogenic (1). Last evaluated 2024-10-02.

Conditions:
CNGB1-related disorder. Also called: CNGB1-related condition.
Retinitis pigmentosa 45 (RP45). Identifiers: Orphanet 791, MedGen C3151066, MONDO:0013413, OMIM 613767.
Retinitis pigmentosa (RP). Identifiers: Orphanet 791, MedGen C0035334, MeSH D012174, MONDO:0019200, OMIM 268000. Inheritance: Autosomal dominant, autosomal recessive and X linked inheritance.

Allele frequency attached by ClinVar (database versions not stated): gnomAD exomes below 0.00001 and 0.00001; ExAC 0.00001; gnomAD 0.00007 and 0.00009; TOPMed 0.00009; ESP Exome Variant Server 0.00016.
gnomAD v4.1: 14 of 1,614,084 alleles (0.00087%); highest among the groups gnomAD compares: African/African-American, 0.013%; no homozygotes.

Submissions (4):

Blueprint Genetics
Classification: Pathogenic for CNGB1-related disorders. Last evaluated: 2024-10-02. Review status: criteria provided, single submitter. Criteria: ACMG Guidelines, 2015. Collection method: clinical testing. Allele origin: germline. Affected: yes. Observed: 3 variant alleles.

Women's Health and Genetics/Laboratory Corporation of America, LabCorp
Classification: Pathogenic for Retinitis pigmentosa. Last evaluated: 2024-08-02. Review status: criteria provided, single submitter. Criteria: LabCorp Variant Classification Summary - May 2015. Collection method: clinical testing. Allele origin: germline.
Comment: Variant summary: CNGB1 c.1217G>A (p.Trp406X) results in a premature termination codon, predicted to cause a truncation of the encoded protein or absence of the protein due to nonsense mediated decay, which are commonly known mechanisms for disease. The variant allele was found at a frequency of 8.1e-06 in 246910 control chromosomes. c.1217G>A has been reported in the literature in individuals affected with Retinitis Pigmentosa (e.g. Biswas_2021). These data indicate that the variant is likely associated with disease. To our knowledge, no experimental evidence demonstrating an impact on protein function has been reported. The following publication has been ascertained in the context of this evaluation (PMID: 34662339). ClinVar contains an entry for this variant (Variation ID: 1031963). Based on the evidence outlined above, the variant was classified as pathogenic.

Laboratorio de Genetica e Diagnostico Molecular, Hospital Israelita Albert Einstein
Classification: Likely pathogenic for Retinitis pigmentosa 45. Last evaluated: 2024-06-18. Review status: criteria provided, single submitter. Criteria: ACMG Guidelines, 2015. Collection method: clinical testing. Allele origin: germline. Affected: yes.
Comment: ACMG classification criteria: PVS1 very strong, PM2 supporting

Labcorp Genetics (formerly Invitae), Labcorp
Classification: Pathogenic. Last evaluated: 2023-10-07. Review status: criteria provided, single submitter. Criteria: Invitae Variant Classification Sherloc (09022015). Collection method: clinical testing. Allele origin: germline.
Comment: This sequence change creates a premature translational stop signal (p.Trp406*) in the CNGB1 gene. It is expected to result in an absent or disrupted protein product. Loss-of-function variants in CNGB1 are known to be pathogenic (PMID: 15557452, 24043777). This variant is present in population databases (rs201286463, gnomAD 0.03%). This variant has not been reported in the literature in individuals affected with CNGB1-related conditions. ClinVar contains an entry for this variant (Variation ID: 1031963). Algorithms developed to predict the effect of sequence changes on RNA splicing suggest that this variant may disrupt the consensus splice site. For these reasons, this variant has been classified as Pathogenic.

Literature cited by the submitters: PubMed 34662339 (cited by Women's Health and Genetics/Laboratory Corporation of America, LabCorp); PubMed 15557452 (cited by Labcorp Genetics (formerly Invitae), Labcorp); PubMed 24043777 (cited by Labcorp Genetics (formerly Invitae), Labcorp).